The following is an entry in ClinVar:

ClinVar aggregate classification (germline): Likely benign (1 of 4 stars; one submission).

Submission:

CeGaT Center for Human Genetics Tuebingen
Classification: Likely benign. Last evaluated: 2025-12-01. Review status: criteria provided, single submitter. Criteria: CeGaT Center For Human Genetics Tuebingen Variant Classification Criteria Version 2. Collection method: clinical testing. Allele origin: germline. Affected: yes. Observed: 1 variant allele.
Comment: POLR2A: BP4, BP7

NM_000937.5(POLR2A):c.2361C>G (p.Val787=)

Genes: POLR2A (RNA polymerase II subunit A; plus strand), LOC126862481 (BRD4-independent group 4 enhancer GRCh37_chr17:7405086-7406285; plus strand). Cytogenetic location: 17p13.1.
Variant type: single nucleotide variant.
Coding change: c.2361C>G on transcript NM_000937.5 (MANE Select); coding-DNA position 2361, C replaced by G.
Protein change: p.Val787=; no amino-acid change (valine 787 retained).
Molecular consequence: synonymous variant.
Genome position (GRCh38, 1-based): chr17:7,501,911, C>G. VCF-style: chr17-7501911-C-G. GRCh37 (hg19) VCF-style: chr17-7405230-C-G.
Identifiers: ClinVar variation 4681720 (VCV004681720.5).